The following is an entry in ClinVar:

NM_006245.4(PPP2R5D):c.1671+4G>T

Gene: PPP2R5D (protein phosphatase 2 regulatory subunit B'delta; plus strand). Cytogenetic location: 6p21.1.
Variant type: single nucleotide variant.
Coding change: c.1671+4G>T on transcript NM_006245.4 (MANE Select); 4 bases into the intron after coding-DNA position 1671, G replaced by T.
Molecular consequence: intron variant.
Genome position (GRCh38, 1-based): chr6:43,011,001, G>T. VCF-style: chr6-43011001-G-T. GRCh37 (hg19) VCF-style: chr6-42978739-G-T.
Other names: c.1218+4G>T (NM_001270476.2); c.1575+4G>T (NM_180976.3); c.1353+4G>T (NM_180977.3).
Identifiers: ClinVar variation 1513146 (VCV001513146.6), dbSNP rs767964383, ClinGen allele CA3812130.
Genomic context (GRCh38, chr6:43,011,001, plus strand): 5'-CCCACAGCTGAGGACATCCAGCTTCTGAAGAGGACTGTGGAGACTGAGGCTGTTCAGGTG[G>T]GAGGGCAATGTAGGGGGATGGAGCAGAAATAATAGCTCTGGAAGGGAGAGGAGACAGAAA-3'

ClinVar aggregate classification (germline): Uncertain significance (1 of 4 stars; one submission).

Allele frequency attached by ClinVar (database versions not stated): gnomAD exomes 0.00001 and 0.00003; ExAC 0.00002; TOPMed 0.00002; gnomAD 0.00003.
gnomAD v4.1: 49 of 1,612,730 alleles (0.003%); highest among the groups gnomAD compares: Non-Finnish European, 0.004%; no homozygotes.

Submission:

Labcorp Genetics (formerly Invitae), Labcorp
Classification: Uncertain significance. Last evaluated: 2023-05-13. Review status: criteria provided, single submitter. Criteria: Invitae Variant Classification Sherloc (09022015). Collection method: clinical testing. Allele origin: germline.
Comment: In summary, the available evidence is currently insufficient to determine the role of this variant in disease. Therefore, it has been classified as a Variant of Uncertain Significance. Variants that disrupt the consensus splice site are a relatively common cause of aberrant splicing (PMID: 17576681, 9536098). Algorithms developed to predict the effect of sequence changes on RNA splicing suggest that this variant may create or strengthen a splice site. ClinVar contains an entry for this variant (Variation ID: 1513146). This variant has not been reported in the literature in individuals affected with PPP2R5D-related conditions. This variant is present in population databases (rs767964383, gnomAD 0.003%). This sequence change falls in intron 15 of the PPP2R5D gene. It does not directly change the encoded amino acid sequence of the PPP2R5D protein. It affects a nucleotide within the consensus splice site.

Literature cited by the submitters: PubMed 17576681; PubMed 9536098.